The following is an entry in ClinVar:

NM_007294.4(BRCA1):c.250G>A (p.Glu84Lys)

Gene: BRCA1 (BRCA1 DNA repair associated; minus strand). Cytogenetic location: 17q21.31.
Variant type: single nucleotide variant.
Coding change: c.250G>A on transcript NM_007294.4 (MANE Select); coding-DNA position 250, G replaced by A.
Protein change: p.Glu84Lys; replaces glutamic acid 84 with lysine.
Molecular consequence: missense variant. On other transcripts: non-coding transcript variant (1).
Genome position (GRCh38, 1-based): chr17:43,104,919, C>T on the plus strand (G>A on the coding strand, the complement: BRCA1 is on the minus strand). VCF-style: chr17-43104919-C-T. GRCh37 (hg19) VCF-style: chr17-41256936-C-T.
Other names: c.40G>A, p.Glu14Lys (NM_001407951.1, NM_001407952.1, NM_001407953.1 and 58 more transcripts); c.-132G>A (NM_001407959.1, NM_001407960.1, NM_001407962.1 and 4 more transcripts); c.109G>A, p.Glu37Lys (NM_001407964.1, NM_001408410.1, NM_001408452.1 and 99 more transcripts); c.250G>A, p.Glu84Lys (NM_001407968.1, NM_001407969.1, NM_001407970.1 and 168 more transcripts); c.172G>A, p.Glu58Lys (NM_001408409.1, NM_001408411.1, NM_001408412.1 and 21 more transcripts); c.118G>A, p.Glu40Lys (NM_001408451.1); short protein forms E37K, E84K, E58K, E14K, E40K.
Identifiers: ClinVar variation 865327 (VCV000865327.14), dbSNP rs398122661, ClinGen allele CA10601657.
Genomic context (GRCh38, chr17:43,104,919, plus strand): 5'-AACACTTACACTCCAAACCTGTGTCAAGCTGAAAAGCACAAATGATTTTCAATAGCTCTT[C>T]AACAAGTTGACTAAATCTCGTACTTTCTTGTAGGCTCCTGAAATTAAATTGTTTGAGAAA-3'
Protein context (NP_009225.1, residues 74-94): QESTRFSQLV[Glu84Lys]ELLKIICAFQ

ClinVar aggregate classification (germline): Uncertain significance. Review status: criteria provided, multiple submitters, no conflicts (2 of 4 stars). 2 submissions from 2 submitters: Uncertain significance (2). Last evaluated 2024-12-23.

Conditions:
Hereditary breast ovarian cancer syndrome. Also called: Hereditary breast and/or ovarian cancer syndrome; BRCA1- and BRCA2-Associated Hereditary Breast and Ovarian Cancer; Hereditary breast and ovarian cancer syndrome; Hereditary breast and ovarian cancer; Hereditary breast and ovarian cancer syndrome (HBOC); Breast and ovarian cancer. Identifiers: Orphanet 145, MedGen C0677776, MeSH D061325, MONDO:0003582. Disease mechanism: loss of function.
Hereditary cancer-predisposing syndrome. Also called: Tumor predisposition; Hereditary Cancer Syndrome; Hereditary neoplastic syndrome; Neoplastic Syndromes, Hereditary. Identifiers: Orphanet 140162, MedGen C0027672, MeSH D009386, MONDO:0015356.

Submissions (3):

Ambry Genetics
Classification: Uncertain significance for Hereditary cancer-predisposing syndrome. Last evaluated: 2024-12-23. Review status: criteria provided, single submitter. Criteria: Ambry Variant Classification Scheme 2023. Collection method: clinical testing. Allele origin: germline.
Comment: The p.E84K variant (also known as c.250G>A), located in coding exon 4 of the BRCA1 gene, results from a G to A substitution at nucleotide position 250. The glutamic acid at codon 84 is replaced by lysine, an amino acid with similar properties. One functional study found that this nucleotide substitution is non-functional in a high throughput genome editing haploid cell survival assay (Findlay GM et al. Nature, 2018 Oct;562:217-222). Another functional study using a mammalian 2-hybrid assay determined this alteration to be functionally neutral (Clark KA et al. Am J Hum Genet, 2022 Jun;109:1153-1174). This nucleotide position is highly conserved in available vertebrate species. In silico splice site analysis predicts that this alteration may weaken the native splice acceptor site; however, direct evidence is insufficient at this time (Ambry internal data). This amino acid position is highly conserved in available vertebrate species. In addition, this alteration is predicted to be deleterious by in silico analysis. Based on the available evidence, the clinical significance of this variant remains unclear.

Labcorp Genetics (formerly Invitae), Labcorp
Classification: Uncertain significance for Hereditary breast ovarian cancer syndrome. Last evaluated: 2024-12-12. Review status: criteria provided, single submitter. Criteria: Invitae Variant Classification Sherloc (09022015). Collection method: clinical testing. Allele origin: germline.
Comment: This sequence change replaces glutamic acid, which is acidic and polar, with lysine, which is basic and polar, at codon 84 of the BRCA1 protein (p.Glu84Lys). This variant is not present in population databases (gnomAD no frequency). This variant has not been reported in the literature in individuals affected with BRCA1-related conditions. ClinVar contains an entry for this variant (Variation ID: 865327). Invitae Evidence Modeling incorporating data from in vitro experimental studies (PMID: 30209399) indicates that this missense variant is expected to disrupt BRCA1 function with a positive predictive value of 95%. Experimental studies have shown that this missense change affects BRCA1 function (PMID: 30209399). Algorithms developed to predict the effect of sequence changes on RNA splicing suggest that this variant may disrupt the consensus splice site. In summary, the available evidence is currently insufficient to determine the role of this variant in disease. Therefore, it has been classified as a Variant of Uncertain Significance.

Brotman Baty Institute, University of Washington
No classification provided (evidence only). Condition: Breast-ovarian cancer, familial 1. Review status: no classification provided. Collection method: in vitro. Allele origin: not applicable. Functional consequence: functionally_abnormal. Not counted in ClinVar's aggregate classification.
ClinVar note: "not provided" was previously submitted as the classification for the variant. However, the classification appeared to be based only on an observation of functional data so it was converted to no classification on 2025-07-30.

Literature cited by the submitters: PubMed 30209399 (cited by Ambry Genetics and Labcorp Genetics (formerly Invitae), Labcorp); PubMed 35659930 (cited by Ambry Genetics).